The following is an entry in ClinVar:

NM_001378609.3(OTOGL):c.4199+1G>A

Gene: OTOGL (otogelin like; plus strand). Cytogenetic location: 12q21.31.
Variant type: single nucleotide variant.
Coding change: c.4199+1G>A on transcript NM_001378609.3 (MANE Select); the canonical splice donor site of the intron after coding-DNA position 4199, G replaced by A.
Molecular consequence: splice donor variant.
Genome position (GRCh38, 1-based): chr12:80,323,841, G>A. VCF-style: chr12-80323841-G-A. GRCh37 (hg19) VCF-style: chr12-80717621-G-A.
Other names: c.4172+1G>A (NM_173591.3); c.4064+1G>A (NM_001368062.3); c.4199+1G>A (NM_001378610.3, NM_173591.7).
Identifiers: ClinVar variation 2909420 (VCV002909420.6), dbSNP rs1887509362, ClinGen allele CA385873502.

ClinVar aggregate classification (germline): Conflicting classifications of pathogenicity. Review status: criteria provided, conflicting classifications (1 of 4 stars). 4 submissions from 4 submitters: Pathogenic (1); Likely pathogenic (2); Uncertain significance (1). Last evaluated 2026-01-20.

Conditions:
Autosomal recessive nonsyndromic hearing loss 84B. Also called: Deafness, autosomal recessive 84b. Identifiers: Orphanet 90636, MedGen C3554159, MONDO:0013984, OMIM 614944.
Rare genetic deafness. Identifiers: Orphanet 96210, MedGen C5680250.
OTOGL-related disorder. Also called: OTOGL-related condition.

Allele frequency attached by ClinVar (database versions not stated): gnomAD exomes 0.00001; TOPMed 0.00001.
gnomAD v4.1: 18 of 1,597,330 alleles (0.0011%); highest among the groups gnomAD compares: Non-Finnish European, 0.0014%; no homozygotes.

Submissions (4):

Labcorp Genetics (formerly Invitae), Labcorp
Classification: Pathogenic. Last evaluated: 2026-01-20. Review status: criteria provided, single submitter. Criteria: Invitae Variant Classification Sherloc (09022015). Collection method: clinical testing. Allele origin: germline.
Comment: This sequence change affects a donor splice site in intron 34 of the OTOGL gene. It is expected to disrupt RNA splicing. Variants that disrupt the donor or acceptor splice site typically lead to a loss of protein function (PMID: 16199547), and loss-of-function variants in OTOGL are known to be pathogenic (PMID: 23122586). This variant is not present in population databases (gnomAD no frequency). Disruption of this splice site has been observed in individual(s) with congenital deafness (internal data). In at least one individual the data is consistent with being in trans (on the opposite chromosome) from a pathogenic variant. ClinVar contains an entry for this variant (Variation ID: 2909420). Algorithms developed to predict the effect of sequence changes on RNA splicing suggest that this variant may disrupt the consensus splice site. For these reasons, this variant has been classified as Pathogenic.

Blueprint Genetics
Classification: Likely pathogenic for OTOGL-related disorders. Last evaluated: 2024-08-12. Review status: criteria provided, single submitter. Criteria: ACMG Guidelines, 2015. Collection method: clinical testing. Allele origin: germline. Affected: yes. Observed: 3 variant alleles.

Genomic Medicine Center of Excellence, King Faisal Specialist Hospital and Research Centre
Classification: Uncertain significance for Autosomal recessive nonsyndromic hearing loss 84B. Last evaluated: 2024-03-25. Review status: criteria provided, single submitter. Criteria: ACMG Guidelines, 2015. Collection method: clinical testing. Allele origin: germline.

Laboratory for Molecular Medicine, Mass General Brigham Personalized Medicine
Classification: Likely pathogenic for Rare genetic deafness. Last evaluated: 2022-06-30. Review status: criteria provided, single submitter. Criteria: ACMG Guidelines, 2015. Collection method: clinical testing. Allele origin: germline.
Comment: The c.4172+1G>A variant in OTOGL has not been previously reported in individuals with nonsyndromic hearing loss and was absent from large population studies. This variant occurs within the canonical splice site (+/- 1,2) and is predicted to cause altered splicing leading to an abnormal or absent protein. Loss of function of the OTOGL gene is an established disease mechanism in autosomal recessive nonsyndromic hearing loss. In summary, although additional studies are required to fully establish its clinical significance, this variant meets criteria to be classified as likely pathogenic for autosomal recessive nonsyndromic hearing loss. ACMG/AMP criteria applied: PVS1, PM2_Supporting.

Literature cited by the submitters: PubMed 16199547 (cited by Labcorp Genetics (formerly Invitae), Labcorp); PubMed 23122586 (cited by Labcorp Genetics (formerly Invitae), Labcorp).